The following is an entry in ClinVar:

NM_174936.4(PCSK9):c.524-11G>A

Gene: PCSK9 (proprotein convertase subtilisin/kexin type 9; plus strand). Cytogenetic location: 1p32.3.
Variant type: single nucleotide variant.
Coding change: c.524-11G>A on transcript NM_174936.4 (MANE Select); 11 bases into the intron before coding-DNA position 524, G replaced by A.
Molecular consequence: intron variant.
Genome position (GRCh38, 1-based): chr1:55,052,267, G>A. VCF-style: chr1-55052267-G-A. GRCh37 (hg19) VCF-style: chr1-55517940-G-A.
Identifiers: ClinVar variation 36671 (VCV000036671.25), dbSNP rs11800231, ClinGen allele CA023164.

ClinVar aggregate classification (germline): Benign/Likely benign. Review status: criteria provided, multiple submitters, no conflicts (2 of 4 stars). 15 submissions from 14 submitters: Benign (11); Likely benign (1). 3 of the submissions do not count toward it. Last evaluated 2026-09-21.

Conditions:
Hypobetalipoproteinemia. Identifiers: Orphanet 31154, MedGen C0020597, MONDO:0017774.
Familial hypercholesterolemia. Also called: Familial hypercholesterolaemia; Familial hypercholesterolemias. Identifiers: MedGen C0020445, MONDO:0005439.
Hypercholesterolemia, familial, 1. Also called: HYPERCHOLESTEROLEMIA, FAMILIAL, MODIFIER OF; LDL RECEPTOR DISORDER; Hyperlipoproteinemia Type IIa; HYPER-LOW-DENSITY-LIPOPROTEINEMIA; HYPERCHOLESTEROLEMIC XANTHOMATOSIS, FAMILIAL; Fredrickson type IIa hyperlipoproteinemia. Identifiers: Orphanet 391665, MedGen C0745103, MONDO:0007750, OMIM 143890.
Hypercholesterolemia, autosomal dominant, 3 (FHCL3). Also called: Familial hypercholesterolemia 3; PCSK9-Related Familial Hypercholesterolemia, Autosomal Dominant; Familial Hypercholesterolemia, Autosomal Dominant, 3. Identifiers: MedGen C1863551, MONDO:0011369, OMIM 603776.

Allele frequency attached by ClinVar (database versions not stated): gnomAD exomes 0.05220 and 0.04607; gnomAD 0.07884 and 0.08151; 1000 Genomes Project 0.08287; 1000 Genomes Project 30x 0.08620; ExAC 0.05490; TOPMed 0.08622; ESP Exome Variant Server 0.08788.

Submissions (15):

Molecular Diagnostic Laboratory for Inherited Cardiovascular Disease, Montreal Heart Institute
Classification: Benign. Last evaluated: 2026-09-21. Review status: criteria provided, single submitter. Criteria: ACMG Guidelines, 2015. Collection method: clinical testing. Allele origin: germline. Affected: no.
Comment: BA1

Labcorp Genetics (formerly Invitae), Labcorp
Classification: Benign for Hypercholesterolemia, autosomal dominant, 3. Last evaluated: 2026-02-04. Review status: criteria provided, single submitter. Criteria: Invitae Variant Classification Sherloc (09022015). Collection method: clinical testing. Allele origin: germline.

Blueprint Genetics
Classification: Likely benign. Last evaluated: 2024-11-26. Review status: criteria provided, single submitter. Criteria: ACMG Guidelines, 2015. Collection method: clinical testing. Allele origin: germline.

GENinCode PLC
Classification: Benign for Familial hypercholesterolemia. Last evaluated: 2022-07-01. Review status: criteria provided, single submitter. Criteria: ACMG Guidelines, 2015. Collection method: clinical testing. Allele origin: germline.

Illumina Laboratory Services, Illumina
Classification: Benign for Hypobetalipoproteinemia. Last evaluated: 2018-01-13. Review status: criteria provided, single submitter. Criteria: ICSL Variant Classification Criteria 13 December 2019. Collection method: clinical testing. Allele origin: germline.
Comment: This variant was observed in the ICSL laboratory as part of a predisposition screen in an ostensibly healthy population. It had not been previously curated by ICSL or reported in the Human Gene Mutation Database (HGMD: prior to June 1st, 2018), and was therefore a candidate for classification through an automated scoring system. Utilizing variant allele frequency, disease prevalence and penetrance estimates, and inheritance mode, an automated score was calculated to assess if this variant is too frequent to cause the disease. Based on the score and internal cut-off values, a variant classified as benign is not then subjected to further curation. The score for this variant resulted in a classification of benign for this disease.

Illumina Laboratory Services, Illumina
Classification: Benign for Hypercholesterolemia, autosomal dominant, 3. Last evaluated: 2018-01-13. Review status: criteria provided, single submitter. Criteria: ICSL Variant Classification Criteria 13 December 2019. Collection method: clinical testing. Allele origin: germline.
Comment: the same text as in the submission from Illumina Laboratory Services, Illumina above.

Color Diagnostics, LLC DBA Color Health
Classification: Benign for Familial hypercholesterolemia. Last evaluated: 2017-06-22. Review status: criteria provided, single submitter. Criteria: ACMG Guidelines, 2015. Collection method: clinical testing. Allele origin: germline.

GeneDx
Classification: Benign. Last evaluated: 2017-02-14. Review status: criteria provided, single submitter. Criteria: GeneDx Variant Classification (06012015). Collection method: clinical testing. Allele origin: germline. Affected: yes.
Comment: This variant is considered likely benign or benign based on one or more of the following criteria: it is a conservative change, it occurs at a poorly conserved position in the protein, it is predicted to be benign by multiple in silico algorithms, and/or has population frequency not consistent with disease.

Cardiovascular Research Group, Instituto Nacional de Saude Doutor Ricardo Jorge
Classification: Benign for Familial hypercholesterolemia. Last evaluated: 2016-03-01. Review status: criteria provided, single submitter. Criteria: ACMG Guidelines, 2015. Collection method: research. Allele origin: germline. Affected: yes.

Women's Health and Genetics/Laboratory Corporation of America, LabCorp
Classification: Benign for Familial Hypercholesterolemia. Last evaluated: 2011-08-18. Review status: criteria provided, single submitter. Criteria: LabCorp Variant Classification Summary - May 2015. Collection method: clinical testing. Allele origin: not applicable. Inheritance: autosomal unknown.
ClinVar note: Converted during submission from benign to Benign.

Breakthrough Genomics
Classification: Benign. Review status: criteria provided, single submitter. Criteria: ACMG Guidelines, 2015. Collection method: not provided. Allele origin: germline. Inheritance: Autosomal dominant inheritance. Affected: yes.

PreventionGenetics, part of Exact Sciences
Classification: Benign. Review status: criteria provided, single submitter. Criteria: ACMG Guidelines, 2015. Collection method: clinical testing. Allele origin: germline.

Cohesion Phenomics
Classification: Benign for Familial hypercholesterolemia. Last evaluated: 2023-02-09. Review status: no assertion criteria provided. Criteria: ACMG Guidelines, 2015. Collection method: clinical testing. Allele origin: germline. Affected: yes. Not counted in ClinVar's aggregate classification.

Clinical Genetics, Academic Medical Center
Classification: Benign. Review status: no assertion criteria provided. Collection method: clinical testing. Allele origin: germline. Affected: yes. Study: VKGL Data-share Consensus. Not counted in ClinVar's aggregate classification.

Diagnostic Laboratory, Department of Genetics, University Medical Center Groningen
Classification: Benign for Hypercholesterolemia, autosomal dominant, 3. Review status: no assertion criteria provided. Collection method: clinical testing. Allele origin: germline. Affected: yes. Study: VKGL Data-share Consensus. Not counted in ClinVar's aggregate classification.

Literature cited by the submitters: PubMed 12730697 (cited by Women's Health and Genetics/Laboratory Corporation of America, LabCorp).